The following is an entry in ClinVar:

NM_206943.4(LTBP1):c.19A>C (p.Arg7=)

Genes: LTBP1 (latent transforming growth factor beta binding protein 1; plus strand), LOC129933461 (ATAC-STARR-seq lymphoblastoid silent region 11345; plus strand). Cytogenetic location: 2p22.3.
Variant type: single nucleotide variant.
Coding change: c.19A>C on transcript NM_206943.4 (MANE Select); coding-DNA position 19, A replaced by C.
Protein change: p.Arg7=; no amino-acid change (arginine 7 retained).
Molecular consequence: synonymous variant.
Genome position (GRCh38, 1-based): chr2:32,947,343, A>C. VCF-style: chr2-32947343-A-C. GRCh37 (hg19) VCF-style: chr2-33172410-A-C.
Other names: c.19A>C, p.Arg7= (NM_001394905.1).
Identifiers: ClinVar variation 4534778 (VCV004534778.6).

ClinVar aggregate classification (germline): Likely benign (1 of 4 stars; one submission).

Submission:

CeGaT Center for Human Genetics Tuebingen
Classification: Likely benign. Last evaluated: 2025-11-01. Review status: criteria provided, single submitter. Criteria: CeGaT Center For Human Genetics Tuebingen Variant Classification Criteria Version 2. Collection method: clinical testing. Allele origin: germline. Affected: yes. Observed: 1 variant allele.
Comment: LTBP1: PM2:Supporting, BP4, BP7